The following is an entry in ClinVar:

NM_144736.5(NDUFAF7):c.622+288G>A

Gene: NDUFAF7 (NADH:ubiquinone oxidoreductase complex assembly factor 7; plus strand). Cytogenetic location: 2p22.2.
Variant type: single nucleotide variant.
Coding change: c.622+288G>A on transcript NM_144736.5 (MANE Select); 288 bases into the intron after coding-DNA position 622, G replaced by A.
Molecular consequence: intron variant. On other transcripts: non-coding transcript variant (2).
Genome position (GRCh38, 1-based): chr2:37,242,079, G>A. VCF-style: chr2-37242079-G-A. GRCh37 (hg19) VCF-style: chr2-37469222-G-A.
Other names: c.622+288G>A (NM_001350024.2); c.468+442G>A (NM_001350027.2); c.541+288G>A (NM_001350025.2); c.387+442G>A (NM_001083946.2).
Identifiers: ClinVar variation 673220 (VCV000673220.1), dbSNP rs78699229, ClinGen allele CA45474628.

ClinVar aggregate classification (germline): Likely benign (1 of 4 stars; one submission).

Allele frequency attached by ClinVar (database versions not stated): 1000 Genomes Project 0.01138; gnomAD 0.01147; 1000 Genomes Project 30x 0.01156; TOPMed 0.01382.
gnomAD v4.1: 2,145 of 431,148 alleles (0.5%); highest among the groups gnomAD compares: African/African-American, 4%; 32 homozygotes.

Submission:

GeneDx
Classification: Likely benign. Last evaluated: 2018-06-14. Review status: criteria provided, single submitter. Criteria: GeneDx Variant Classification (06012015). Collection method: clinical testing. Allele origin: germline. Affected: yes.
Comment: This variant is considered likely benign or benign based on one or more of the following criteria: it is a conservative change, it occurs at a poorly conserved position in the protein, it is predicted to be benign by multiple in silico algorithms, and/or has population frequency not consistent with disease.